The following is an entry in ClinVar:

NM_001081.4(CUBN):c.9721G>A (p.Val3241Ile)

Gene: CUBN (cubilin; minus strand). Cytogenetic location: 10p13.
Variant type: single nucleotide variant.
Coding change: c.9721G>A on transcript NM_001081.4 (MANE Select); coding-DNA position 9721, G replaced by A.
Protein change: p.Val3241Ile; replaces valine 3241 with isoleucine.
Molecular consequence: missense variant.
Genome position (GRCh38, 1-based): chr10:16,840,990, C>T on the plus strand (G>A on the coding strand, the complement: CUBN is on the minus strand). VCF-style: chr10-16840990-C-T. GRCh37 (hg19) VCF-style: chr10-16882989-C-T.
Other names: short protein forms V3241I.
Identifiers: ClinVar variation 2864909 (VCV002864909.3), dbSNP rs984150630, ClinGen allele CA5422611.

ClinVar aggregate classification (germline): Uncertain significance. Review status: criteria provided, multiple submitters, no conflicts (2 of 4 stars). 2 submissions from 2 submitters: Uncertain significance (2). Last evaluated 2024-10-09.

Conditions:
Imerslund-Grasbeck syndrome. Also called: Imerslund-Gräsbeck syndrome; Megaloblastic anemia due to inborn errors of metabolism; ENTEROCYTE COBALAMIN MALABSORPTION; ENTEROCYTE INTRINSIC FACTOR RECEPTOR, DEFECT OF; PERNICIOUS ANEMIA, JUVENILE, DUE TO SELECTIVE INTESTINAL MALABSORPTION OF VITAMIN B12, WITH PROTEINURIA. Identifiers: Orphanet 35858, MedGen C4551825, MONDO:0009853.
Inborn genetic diseases. Identifiers: MedGen C0950123, MeSH D030342.

Allele frequency attached by ClinVar (database versions not stated): gnomAD exomes 0.00001; ExAC 0.00002; gnomAD 0.00003; TOPMed 0.00003.
gnomAD v4.1: 8 of 1,614,016 alleles (0.0005%); highest among the groups gnomAD compares: African/African-American, 0.0067%; no homozygotes.

Submissions (2):

Ambry Genetics
Classification: Uncertain significance for Inborn genetic diseases. Last evaluated: 2024-10-09. Review status: criteria provided, single submitter. Criteria: Ambry Variant Classification Scheme 2023. Collection method: clinical testing. Allele origin: germline.

Labcorp Genetics (formerly Invitae), Labcorp
Classification: Uncertain significance for Imerslund-Grasbeck syndrome. Last evaluated: 2024-01-15. Review status: criteria provided, single submitter. Criteria: Invitae Variant Classification Sherloc (09022015). Collection method: clinical testing. Allele origin: germline.
Comment: This sequence change replaces valine, which is neutral and non-polar, with isoleucine, which is neutral and non-polar, at codon 3241 of the CUBN protein (p.Val3241Ile). This variant is present in population databases (no rsID available, gnomAD 0.01%). This variant has not been reported in the literature in individuals affected with CUBN-related conditions. Advanced modeling of protein sequence and biophysical properties (such as structural, functional, and spatial information, amino acid conservation, physicochemical variation, residue mobility, and thermodynamic stability) performed at Invitae indicates that this missense variant is not expected to disrupt CUBN protein function with a negative predictive value of 80%. In summary, the available evidence is currently insufficient to determine the role of this variant in disease. Therefore, it has been classified as a Variant of Uncertain Significance.